The following is an entry in ClinVar:

ClinVar aggregate classification (germline): Benign/Likely benign. Review status: criteria provided, multiple submitters, no conflicts (2 of 4 stars). 9 submissions from 9 submitters: Benign (2); Likely benign (5). 2 of the submissions do not count toward it. Last evaluated 2025-10-06.

Conditions:
Hereditary breast ovarian cancer syndrome. Also called: Hereditary breast and ovarian cancer; Hereditary breast and ovarian cancer syndrome; Breast and ovarian cancer; Hereditary breast and ovarian cancer syndrome (HBOC); Hereditary breast and/or ovarian cancer syndrome; BRCA1- and BRCA2-Associated Hereditary Breast and Ovarian Cancer. Identifiers: Orphanet 145, MedGen C0677776, MeSH D061325, MONDO:0003582. Disease mechanism: loss of function.
Hereditary cancer-predisposing syndrome. Also called: Hereditary Cancer Syndrome; Neoplastic Syndromes, Hereditary; Tumor predisposition; Hereditary neoplastic syndrome. Identifiers: Orphanet 140162, MedGen C0027672, MeSH D009386, MONDO:0015356.
Familial cancer of breast. Also called: BREAST CANCER, FAMILIAL; Hereditary breast cancer; hereditary breast carcinoma. Identifiers: Orphanet 227535, MedGen C0346153, MONDO:0016419, OMIM 114480. Disease mechanism: loss of function.
Ataxia-telangiectasia syndrome (AT). Also called: Ataxia-telangiectasia, complementation group D; AT, COMPLEMENTATION GROUP C; ATAXIA-TELANGIECTASIA, COMPLEMENTATION GROUP A; ATAXIA-TELANGIECTASIA, FRESNO VARIANT; Ataxia-telangiectasia; LOUIS-BAR SYNDROME. Identifiers: Orphanet 100, MedGen C0004135, MONDO:0008840, OMIM 208900.

Allele frequency attached by ClinVar (database versions not stated): gnomAD exomes 0.00001; TOPMed 0.00001; gnomAD 0.00002.
gnomAD v4.1: 13 of 1,554,928 alleles (0.00084%); highest among the groups gnomAD compares: African/African-American, 0.0014%; no homozygotes.

Submissions (9):

Labcorp Genetics (formerly Invitae), Labcorp
Classification: Likely benign for Ataxia-telangiectasia syndrome. Last evaluated: 2025-10-06. Review status: criteria provided, single submitter. Criteria: Invitae Variant Classification Sherloc (09022015). Collection method: clinical testing. Allele origin: germline.

German Consortium for Hereditary Breast and Ovarian Cancer, University Hospital Cologne
Classification: Likely benign for Hereditary breast ovarian cancer syndrome. Last evaluated: 2024-07-09. Review status: criteria provided, single submitter. Criteria: ClinGen ATM V1.3.0. Collection method: curation. Allele origin: germline.
Comment: According to the ClinGen ACMG ATM v1.3.0 criteria we chose these criteria: BP4 (supporting benign): Protein: REVEL <.249; RNA: multiple in silico predictors agree to a lack of splice defect. (SpliceAI < 0,1, BP7 (supporting benign): A synonymous variant for which splicing prediction algorithms predict no impact to the splice consensus sequence nor the creation of a new splice site AND the nucleotide is not highly conserved.

Myriad Genetics, Inc.
Classification: Benign for Familial cancer of breast. Last evaluated: 2024-05-20. Review status: criteria provided, single submitter. Criteria: Myriad Autosomal Dominant, Autosomal Recessive and X-Linked Classification Criteria (2023). Collection method: clinical testing. Allele origin: unknown.
Comment: This variant is considered benign. This variant is a silent/synonymous amino acid change and it is not expected to impact splicing.

PreventionGenetics, part of Exact Sciences
Classification: Likely benign. Last evaluated: 2017-10-12. Review status: criteria provided, single submitter. Criteria: ACMG Guidelines, 2015. Collection method: clinical testing. Allele origin: germline.

Color Diagnostics, LLC DBA Color Health
Classification: Likely benign for Hereditary cancer-predisposing syndrome. Last evaluated: 2016-03-29. Review status: criteria provided, single submitter. Criteria: ACMG Guidelines, 2015. Collection method: clinical testing. Allele origin: germline.

GeneDx
Classification: Benign. Last evaluated: 2015-04-20. Review status: criteria provided, single submitter. Criteria: GeneDx Variant Classification (06012015). Collection method: clinical testing. Allele origin: germline. Affected: yes.
Comment: This variant is considered likely benign or benign based on one or more of the following criteria: it is a conservative change, it occurs at a poorly conserved position in the protein, it is predicted to be benign by multiple in silico algorithms, and/or has population frequency not consistent with disease.

Ambry Genetics
Classification: Likely benign for Hereditary cancer-predisposing syndrome. Last evaluated: 2014-09-10. Review status: criteria provided, single submitter. Criteria: Ambry Variant Classification Scheme 2023. Collection method: clinical testing. Allele origin: germline.

Genetic Services Laboratory, University of Chicago
Classification: Likely benign. Last evaluated: 2022-06-22. Review status: no assertion criteria provided. Collection method: clinical testing. Allele origin: germline. Affected: no. Not counted in ClinVar's aggregate classification.

Counsyl
Classification: Likely benign for Ataxia-telangiectasia syndrome. Last evaluated: 2017-01-24. Review status: no assertion criteria provided. Collection method: clinical testing. Allele origin: unknown. Not counted in ClinVar's aggregate classification.

NM_000051.4(ATM):c.4626G>A (p.Leu1542=)

Gene: ATM (ATM serine/threonine kinase; plus strand). Cytogenetic location: 11q22.3.
Variant type: single nucleotide variant.
Coding change: c.4626G>A on transcript NM_000051.4 (MANE Select); coding-DNA position 4626, G replaced by A.
Protein change: p.Leu1542=; no amino-acid change (leucine 1542 retained).
Molecular consequence: synonymous variant.
Genome position (GRCh38, 1-based): chr11:108,293,327, G>A. VCF-style: chr11-108293327-G-A. GRCh37 (hg19) VCF-style: chr11-108164054-G-A.
Other names: c.4626G>A, p.Leu1542= (NM_001351834.2).
Identifiers: ClinVar variation 186217 (VCV000186217.23), dbSNP rs786202784, ClinGen allele CA194179.